The following is an entry in ClinVar:

NM_002700.3(POU4F3):c.731T>G (p.Leu244Arg)

Genes: POU4F3 (POU class 4 homeobox 3; plus strand), RBM27-POU4F3 (RBM27-POU4F3 readthrough; plus strand). Cytogenetic location: 5q32.
Variant type: single nucleotide variant.
Coding change: c.731T>G on transcript NM_002700.3 (MANE Select); coding-DNA position 731, T replaced by G.
Protein change: p.Leu244Arg; replaces leucine 244 with arginine.
Molecular consequence: missense variant.
Genome position (GRCh38, 1-based): chr5:146,340,158, T>G. VCF-style: chr5-146340158-T-G. GRCh37 (hg19) VCF-style: chr5-145719721-T-G.
Other names: short protein forms L244R.
Identifiers: ClinVar variation 1703985 (VCV001703985.2), dbSNP rs2479693712, ClinGen allele CA361622084.
Genomic context (GRCh38, chr5:146,340,158, plus strand): 5'-GCCAAAGCACCATCTGCAGGTTCGAGTCTCTCACTCTCTCGCACAACAACATGATCGCTC[T>G]CAAGCCGGTGCTCCAGGCCTGGTTGGAGGAGGCCGAGGCCGCCTACCGAGAGAAGAACAG-3'
Protein context (NP_002691.1, residues 234-254): LTLSHNNMIA[Leu244Arg]KPVLQAWLEE

ClinVar aggregate classification (germline): Uncertain significance (1 of 4 stars; one submission).

Submission:

GeneDx
Classification: Uncertain significance. Last evaluated: 2022-03-03. Review status: criteria provided, single submitter. Criteria: GeneDx Variant Classification Process June 2021. Collection method: clinical testing. Allele origin: germline. Affected: yes.
Comment: Not observed at significant frequency in large population cohorts (gnomAD); In silico analysis supports that this missense variant has a deleterious effect on protein structure/function; Has not been previously published as pathogenic or benign to our knowledge